The following is an entry in ClinVar:

ClinVar aggregate classification (germline): Likely benign. Review status: criteria provided, multiple submitters, no conflicts (2 of 4 stars). 3 submissions from 3 submitters: Likely benign (3). Last evaluated 2025-07-09.

Conditions:
Intellectual developmental disorder, autosomal dominant 1. Also called: Intellectual disability, autosomal dominant 1; MBD5 Haploinsufficiency. Identifiers: Orphanet 228402, MedGen C1969562, MONDO:0007974, OMIM 156200.

Allele frequency attached by ClinVar (database versions not stated): gnomAD exomes 0.00001 and 0.00002; TOPMed 0.00005; gnomAD 0.00001.
gnomAD v4.1: 14 of 1,591,696 alleles (0.00088%); highest among the groups gnomAD compares: Middle Eastern, 0.05%; no homozygotes.

Submissions (3):

Labcorp Genetics (formerly Invitae), Labcorp
Classification: Likely benign for Intellectual developmental disorder, autosomal dominant 1. Last evaluated: 2025-07-09. Review status: criteria provided, single submitter. Criteria: Invitae Variant Classification Sherloc (09022015). Collection method: clinical testing. Allele origin: germline.

Blueprint Genetics
Classification: Likely benign. Last evaluated: 2022-06-10. Review status: criteria provided, single submitter. Criteria: ACMG Guidelines, 2015. Collection method: clinical testing. Allele origin: germline.

GeneDx
Classification: Likely benign. Last evaluated: 2018-03-21. Review status: criteria provided, single submitter. Criteria: GeneDx Variant Classification (06012015). Collection method: clinical testing. Allele origin: germline. Affected: yes.
Comment: This variant is considered likely benign or benign based on one or more of the following criteria: it is a conservative change, it occurs at a poorly conserved position in the protein, it is predicted to be benign by multiple in silico algorithms, and/or has population frequency not consistent with disease.

NM_001378120.1(MBD5):c.113+14A>G

Gene: MBD5 (methyl-CpG binding domain protein 5; plus strand). Cytogenetic location: 2q23.1.
Variant type: single nucleotide variant.
Coding change: c.113+14A>G on transcript NM_001378120.1 (MANE Select); 14 bases into the intron after coding-DNA position 113, A replaced by G.
Molecular consequence: intron variant.
Genome position (GRCh38, 1-based): chr2:148,458,885, A>G. VCF-style: chr2-148458885-A-G. GRCh37 (hg19) VCF-style: chr2-149216454-A-G.
Other names: c.113+14A>G (NM_018328.5).
Identifiers: ClinVar variation 669032 (VCV000669032.10), dbSNP rs759575165, ClinGen allele CA57565329.